The following is an entry in ClinVar:

Conditions:
Long QT syndrome 5 (LQT5). Identifiers: Orphanet 101016, Orphanet 768, MedGen C1867904, MONDO:0013372, OMIM 613695.

Submission:

Roden Lab, Vanderbilt University Medical Center
No classification provided (evidence only). Condition: Long QT syndrome 5. Review status: no classification provided. Collection method: in vitro. Allele origin: not applicable. Functional consequence: Effect on ion channel function.
ClinVar note: "not provided" was previously submitted as the classification for the variant. However, the classification appeared to be based only on an observation of functional data so it was converted to no classification on 2025-07-30.

NM_000219.6(KCNE1):c.310A>C (p.Arg104=)

Gene: KCNE1 (potassium voltage-gated channel subfamily E regulatory subunit 1; minus strand). Cytogenetic location: 21q22.12.
Variant type: single nucleotide variant.
Coding change: c.310A>C on transcript NM_000219.6 (MANE Select); coding-DNA position 310, A replaced by C.
Protein change: p.Arg104=; no amino-acid change (arginine 104 retained).
Molecular consequence: synonymous variant.
Genome position (GRCh38, 1-based): chr21:34,449,325, T>G on the plus strand (A>C on the coding strand, the complement: KCNE1 is on the minus strand). VCF-style: chr21-34449325-T-G. GRCh37 (hg19) VCF-style: chr21-35821623-T-G.
Other names: c.310A>C, p.Arg104= (NM_001127668.4, NM_001127669.4, NM_001127670.4 and 4 more transcripts).
Identifiers: ClinVar variation 3374602 (VCV003374602.2).